The following is an entry in ClinVar:

ClinVar aggregate classification (germline): Uncertain significance (1 of 4 stars; one submission).

Conditions:
Myopathy due to calsequestrin and SERCA1 protein overload. Also called: Myopathy, vacuolar, with casq1 aggregates. Identifiers: Orphanet 88635, MedGen C4015624, MONDO:0014546, OMIM 616231.

Submission:

Dasa
Classification: Uncertain significance for Myopathy due to calsequestrin and SERCA1 protein overload. Last evaluated: 2026-02-20. Review status: criteria provided, single submitter. Criteria: DASA Assertion Criteria. Collection method: clinical testing. Allele origin: germline.
Comment: NM_001231.5(CASQ1):c.1_7dup (p.Ala3Aspfs*42) is a frameshift variant in CASQ1 predicted to alter the reading frame and introduce a premature termination codon. This variant is rare in population databases. The currently available literature and clinical evidence are not sufficient to establish a definitive association between this variant and the reported condition. Therefore, this variant is classified as a variant of uncertain significance.

NM_001231.5(CASQ1):c.1_7dup (p.Ala3fs)

Gene: CASQ1 (calsequestrin 1; plus strand). Cytogenetic location: 1q23.2.
Variant type: Duplication.
Coding change: c.1_7dup on transcript NM_001231.5 (MANE Select); coding-DNA positions 1 to 7, 7 bases duplicated (ATGAGTG; older notation c.1_7dupATGAGTG).
Protein change: p.Ala3fs; shifts the reading frame from alanine 3.
Molecular consequence: frameshift variant, initiator codon variant.
Genome position (GRCh38, 1-based): chr1:160,190,752-160,190,758, ATGAGTG duplicated. VCF-style (leftmost placement, unchanged base first): chr1-160190751-C-CATGAGTG. GRCh37 (hg19) VCF-style: chr1-160160541-C-CATGAGTG.
Other names: short protein forms A3fs.
Identifiers: ClinVar variation 4884099 (VCV004884099.2).